The following is an entry in ClinVar:

ClinVar aggregate classification (germline): Likely benign. Review status: criteria provided, multiple submitters, no conflicts (2 of 4 stars). 2 submissions from 2 submitters: Likely benign (2). Last evaluated 2025-08-05.

Conditions:
Nicolaides-Baraitser syndrome (NCBRS). Also called: Intellectual disability-sparse hair-brachydactyly syndrome; SMARCA2-Related Nicolaides-Baraitser Syndrome. Identifiers: Orphanet 3051, MedGen C1303073, MONDO:0011053, OMIM 601358.

Allele frequency attached by ClinVar (database versions not stated): gnomAD 0.00004; TOPMed 0.00004; gnomAD exomes 0.00005; ExAC 0.00007.

Submissions (2):

Labcorp Genetics (formerly Invitae), Labcorp
Classification: Likely benign. Last evaluated: 2025-08-05. Review status: criteria provided, single submitter. Criteria: Invitae Variant Classification Sherloc (09022015). Collection method: clinical testing. Allele origin: germline.

Illumina Laboratory Services, Illumina
Classification: Likely benign for Nicolaides-Baraitser syndrome. Last evaluated: 2018-01-13. Review status: criteria provided, single submitter. Criteria: ICSL Variant Classification Criteria 13 December 2019. Collection method: clinical testing. Allele origin: germline.
Comment: This variant was observed in the ICSL laboratory as part of a predisposition screen in an ostensibly healthy population. It had not been previously curated by ICSL or reported in the Human Gene Mutation Database (HGMD: prior to June 1st, 2018), and was therefore a candidate for classification through an automated scoring system. Utilizing variant allele frequency, disease prevalence and penetrance estimates, and inheritance mode, an automated score was calculated to assess if this variant is too frequent to cause the disease. Based on the score and internal cut-off values, a variant classified as likely benign is not then subjected to further curation. The score for this variant resulted in a classification of likely benign for this disease.

NM_003070.5(SMARCA2):c.4725G>A (p.Glu1575=)

Gene: SMARCA2 (SWI/SNF related BAF chromatin remodeling complex subunit ATPase 2; plus strand). Cytogenetic location: 9p24.3.
Variant type: single nucleotide variant.
Coding change: c.4725G>A on transcript NM_003070.5 (MANE Select); coding-DNA position 4725, G replaced by A.
Protein change: p.Glu1575=; no amino-acid change (glutamic acid 1575 retained).
Molecular consequence: synonymous variant.
Genome position (GRCh38, 1-based): chr9:2,191,396, G>A. VCF-style: chr9-2191396-G-A. GRCh37 (hg19) VCF-style: chr9-2191396-G-A.
Other names: c.4725G>A, p.Glu1575= (NM_001289396.2); c.4497G>A, p.Glu1499= (NM_001289397.2); c.699G>A, p.Glu233= (NM_001289398.2); c.783G>A, p.Glu261= (NM_001289399.2); c.789G>A, p.Glu263= (NM_001289400.2); c.4671G>A, p.Glu1557= (NM_139045.4).
Identifiers: ClinVar variation 366325 (VCV000366325.13), dbSNP rs61761955, ClinGen allele CA4964293.